The following is an entry in ClinVar:

NM_001385079.1(PDE10A):c.1543G>C (p.Val515Leu)

Gene: PDE10A (phosphodiesterase 10A; minus strand). Cytogenetic location: 6q27.
Variant type: single nucleotide variant.
Coding change: c.1543G>C on transcript NM_001385079.1 (MANE Select); coding-DNA position 1543, G replaced by C.
Protein change: p.Val515Leu; replaces valine 515 with leucine.
Molecular consequence: missense variant.
Genome position (GRCh38, 1-based): chr6:165,430,345, C>G on the plus strand (G>C on the coding strand, the complement: PDE10A is on the minus strand). VCF-style: chr6-165430345-C-G. GRCh37 (hg19) VCF-style: chr6-165843833-C-G.
Other names: c.745G>C, p.Val249Leu (NM_001130690.3); c.715G>C, p.Val239Leu (NM_006661.4); short protein forms V239L, V249L, V515L.
Identifiers: ClinVar variation 4875293 (VCV004875293.2).
Genomic context (GRCh38, chr6:165,430,345, plus strand): 5'-ACTTTGATACGTCGAGTAGGAAGTCATTCAATTCTGTCTGTTTGGCAAGGCCTCTGCATA[C>G]CTACCATATAAAATAATAGGTACAATTACAAGAGATTTCTGCTTATTTCAAAATAAAACT-3'
Protein context (NP_001372008.1, residues 505-525): WASVAIHQVQ[Val515Leu]CRGLAKQTEL

ClinVar aggregate classification (germline): Uncertain significance (1 of 4 stars; one submission).

Submission:

CeGaT Center for Human Genetics Tuebingen
Classification: Uncertain significance. Last evaluated: 2026-06-01. Review status: criteria provided, single submitter. Criteria: CeGaT Center For Human Genetics Tuebingen Variant Classification Criteria Version 2. Collection method: clinical testing. Allele origin: germline. Affected: yes. Observed: 1 variant allele.
Comment: PDE10A: PM2, PP2